The following is an entry in ClinVar:

ClinVar aggregate classification (germline): Conflicting classifications of pathogenicity. Review status: criteria provided, conflicting classifications (1 of 4 stars). 2 submissions from 2 submitters: Likely pathogenic (1); Uncertain significance (1). Last evaluated 2019-02-01.

Conditions:
Factor XIII, A subunit, deficiency of. Also called: Factor XIII subunit A deficiency. Identifiers: Orphanet 331, MedGen C2750514, MONDO:0013187, OMIM 613225, HP:0040233.

gnomAD v4.1: 1 of 1,614,206 alleles (0.000062%); highest among the groups gnomAD compares: Non-Finnish European, 0.000085%; no homozygotes.

Submissions (2):

NIHR Bioresource Rare Diseases, University of Cambridge
Classification: Likely pathogenic for Factor XIII, A subunit, deficiency of. Last evaluated: 2019-02-01. Review status: criteria provided, single submitter. Criteria: ACMG Guidelines, 2015. Collection method: research. Allele origin: unknown. Affected: yes. Observed: 1 compound heterozygote. Study: ThromboGenomics.

Neuberg Centre For Genomic Medicine, NCGM
Classification: Uncertain significance for Factor XIII, A subunit, deficiency of. Review status: criteria provided, single submitter. Criteria: ACMG Guidelines, 2015. Collection method: clinical testing. Allele origin: germline. Inheritance: Autosomal recessive inheritance. Affected: yes.
Comment: The missense variant in c.233G>T(p.Arg78Leu) in F13A1 gene has been reported in ClinVar as a likely pathogenic variant. The variant is novel (not in any individuals) in gnomAD Exomes and 1000 Genomes. The amino acid Arg at position 78 is changed to a Leu changing protein sequence and it might alter its composition and physico-chemical properties. The amino acid change p.Arg78Leu in F13A1 is predicted as conserved by GERP++ and PhyloP across 100 vertebrates. For these reasons, this variant has been classified as Uncertain significance.

Literature cited by the submitters: PubMed 31064749 (cited by NIHR Bioresource Rare Diseases, University of Cambridge).

NM_000129.4(F13A1):c.233G>T (p.Arg78Leu)

Gene: F13A1 (coagulation factor XIII A chain; minus strand). Cytogenetic location: 6p25.1.
Variant type: single nucleotide variant.
Coding change: c.233G>T on transcript NM_000129.4 (MANE Select); coding-DNA position 233, G replaced by T.
Protein change: p.Arg78Leu; replaces arginine 78 with leucine.
Molecular consequence: missense variant.
Genome position (GRCh38, 1-based): chr6:6,305,437, C>A on the plus strand (G>T on the coding strand, the complement: F13A1 is on the minus strand). VCF-style: chr6-6305437-C-A. GRCh37 (hg19) VCF-style: chr6-6305670-C-A.
Other names: short protein forms R78L.
Identifiers: ClinVar variation 627038 (VCV000627038.2), dbSNP rs768024997, ClinGen allele CA362742174.